The following is an entry in ClinVar:

ClinVar aggregate classification (germline): Pathogenic (1 of 4 stars; one submission).

Submission:

CeGaT Center for Human Genetics Tuebingen
Classification: Pathogenic. Last evaluated: 2023-07-01. Review status: criteria provided, single submitter. Criteria: CeGaT Center For Human Genetics Tuebingen Variant Classification Criteria Version 2. Collection method: clinical testing. Allele origin: germline. Affected: yes. Observed: 1 variant allele.
Comment: KIF1A: PS2, PM1, PM2, PM5, PP2, PP3

NM_001244008.2(KIF1A):c.275G>A (p.Cys92Tyr)

Gene: KIF1A (kinesin family member 1A; minus strand). Cytogenetic location: 2q37.3.
Variant type: single nucleotide variant.
Coding change: c.275G>A on transcript NM_001244008.2 (MANE Select); coding-DNA position 275, G replaced by A.
Protein change: p.Cys92Tyr; replaces cysteine 92 with tyrosine.
Molecular consequence: missense variant.
Genome position (GRCh38, 1-based): chr2:240,788,139, C>T on the plus strand (G>A on the coding strand, the complement: KIF1A is on the minus strand). VCF-style: chr2-240788139-C-T. GRCh37 (hg19) VCF-style: chr2-241727556-C-T.
Other names: c.275G>A, p.Cys92Tyr (NM_001320705.2, NM_001330289.2, NM_001330290.2 and 21 more transcripts); short protein forms C92Y.
Identifiers: ClinVar variation 2578901 (VCV002578901.25), dbSNP rs2538437439, ClinGen allele CA351310429.